The following is an entry in ClinVar:

NM_006922.4(SCN3A):c.3678A>C (p.Glu1226Asp)

Gene: SCN3A (sodium voltage-gated channel alpha subunit 3; minus strand). Cytogenetic location: 2q24.3.
Variant type: single nucleotide variant.
Coding change: c.3678A>C on transcript NM_006922.4 (MANE Select); coding-DNA position 3678, A replaced by C.
Protein change: p.Glu1226Asp; replaces glutamic acid 1226 with aspartic acid.
Molecular consequence: missense variant.
Genome position (GRCh38, 1-based): chr2:165,113,050, T>G on the plus strand (A>C on the coding strand, the complement: SCN3A is on the minus strand). VCF-style: chr2-165113050-T-G. GRCh37 (hg19) VCF-style: chr2-165969560-T-G.
Other names: c.3531A>C, p.Glu1177Asp (NM_001081676.2, NM_001081677.2); short protein forms E1177D, E1226D.
Identifiers: ClinVar variation 1025555 (VCV001025555.6), dbSNP rs1686196404, ClinGen allele CA349032988.

ClinVar aggregate classification (germline): Uncertain significance (1 of 4 stars; one submission).

Allele frequency attached by ClinVar (database versions not stated): gnomAD exomes below 0.00001; TOPMed below 0.00001; gnomAD 0.00001.
gnomAD v4.1: 2 of 1,610,608 alleles (0.00012%); highest among the groups gnomAD compares: Non-Finnish European, 0.00017%; no homozygotes.

Submission:

Labcorp Genetics (formerly Invitae), Labcorp
Classification: Uncertain significance. Last evaluated: 2022-03-15. Review status: criteria provided, single submitter. Criteria: Invitae Variant Classification Sherloc (09022015). Collection method: clinical testing. Allele origin: germline.
Comment: This sequence change replaces glutamic acid, which is acidic and polar, with aspartic acid, which is acidic and polar, at codon 1226 of the SCN3A protein (p.Glu1226Asp). This variant is not present in population databases (gnomAD no frequency). This variant has not been reported in the literature in individuals affected with SCN3A-related conditions. ClinVar contains an entry for this variant (Variation ID: 1025555). Algorithms developed to predict the effect of missense changes on protein structure and function are either unavailable or do not agree on the potential impact of this missense change (SIFT: "Deleterious"; PolyPhen-2: "Possibly Damaging"; Align-GVGD: "Class C0"). In summary, the available evidence is currently insufficient to determine the role of this variant in disease. Therefore, it has been classified as a Variant of Uncertain Significance.